The following is an entry in ClinVar:

ClinVar aggregate classification (germline): Likely pathogenic (1 of 4 stars; one submission).

Submission:

Labcorp Genetics (formerly Invitae), Labcorp
Classification: Likely pathogenic. Last evaluated: 2023-11-27. Review status: criteria provided, single submitter. Criteria: Invitae Variant Classification Sherloc (09022015). Collection method: clinical testing. Allele origin: germline.
Comment: This sequence change affects a donor splice site in intron 27 of the ABCA4 gene. It is expected to disrupt RNA splicing. Variants that disrupt the donor or acceptor splice site typically lead to a loss of protein function (PMID: 16199547), and loss-of-function variants in ABCA4 are known to be pathogenic (PMID: 10958761, 24938718, 25312043, 26780318). This variant is not present in population databases (gnomAD no frequency). This variant has not been reported in the literature in individuals affected with ABCA4-related conditions. Algorithms developed to predict the effect of sequence changes on RNA splicing suggest that this variant may disrupt the consensus splice site. In summary, the currently available evidence indicates that the variant is pathogenic, but additional data are needed to prove that conclusively. Therefore, this variant has been classified as Likely Pathogenic.

Literature cited by the submitters: PubMed 16199547; PubMed 10958761; PubMed 24938718; PubMed 25312043; PubMed 26780318.

NM_000350.3(ABCA4):c.4128+2T>C

Gene: ABCA4 (ATP binding cassette subfamily A member 4; minus strand). Cytogenetic location: 1p22.1.
Variant type: single nucleotide variant.
Coding change: c.4128+2T>C on transcript NM_000350.3 (MANE Select); the canonical splice donor site of the intron after coding-DNA position 4128, T replaced by C.
Molecular consequence: splice donor variant.
Genome position (GRCh38, 1-based): chr1:94,031,776, A>G on the plus strand (T>C on the coding strand, the complement: ABCA4 is on the minus strand). VCF-style: chr1-94031776-A-G. GRCh37 (hg19) VCF-style: chr1-94497332-A-G.
Identifiers: ClinVar variation 2699326 (VCV002699326.3), dbSNP rs2523732620, ClinGen allele CA341286660.